The following is an entry in ClinVar:

ClinVar aggregate classification (germline): Uncertain significance (1 of 4 stars; one submission).

Conditions:
Hereditary nonpolyposis colorectal neoplasms. Identifiers: MedGen C0009405, MeSH D003123.

Submission:

Labcorp Genetics (formerly Invitae), Labcorp
Classification: Uncertain significance for Hereditary nonpolyposis colorectal neoplasms. Last evaluated: 2020-05-29. Review status: criteria provided, single submitter. Criteria: Invitae Variant Classification Sherloc (09022015). Collection method: clinical testing. Allele origin: germline.
Comment: This sequence change replaces proline with tyrosine at codon 654 of the PMS2 protein (p.Pro654Tyr). The proline residue is highly conserved and there is a moderate physicochemical difference between proline and tyrosine. This variant is not present in population databases (ExAC no frequency). This variant has not been reported in the literature in individuals with PMS2-related conditions. Algorithms developed to predict the effect of missense changes on protein structure and function are either unavailable or do not agree on the potential impact of this missense change (SIFT: "Not Available"; PolyPhen-2: "Probably Damaging"; Align-GVGD: "Not Available"). In summary, the available evidence is currently insufficient to determine the role of this variant in disease. Therefore, it has been classified as a Variant of Uncertain Significance.

NM_000535.7(PMS2):c.1960_1961delinsTA (p.Pro654Tyr)

Gene: PMS2 (PMS1 homolog 2, mismatch repair system component; minus strand). Cytogenetic location: 7p22.1.
Variant type: Indel.
Coding change: c.1960_1961delinsTA on transcript NM_000535.7 (MANE Select); coding-DNA positions 1960 to 1961, CC replaced by TA.
Protein change: p.Pro654Tyr; replaces proline 654 with tyrosine.
Molecular consequence: missense variant. On other transcripts: non-coding transcript variant (1).
Genome position (GRCh38, 1-based): chr7:5,986,804-5,986,805, GG replaced by TA on the plus strand (CC replaced by TA on the coding strand, the reverse complement: PMS2 is on the minus strand). VCF-style: chr7-5986804-GG-TA. GRCh37 (hg19) VCF-style: chr7-6026435-GG-TA.
Other names: c.1555_1556delinsTA, p.Pro519Tyr (NM_001322003.2, NM_001322004.2, NM_001322005.2 and 1 more transcripts); c.1804_1805delinsTA, p.Pro602Tyr (NM_001322006.2); c.1642_1643delinsTA, p.Pro548Tyr (NM_001322007.2, NM_001322008.2); c.1399_1400delinsTA, p.Pro467Tyr (NM_001322010.2); c.1027_1028delinsTA, p.Pro343Tyr (NM_001322011.2, NM_001322012.2); c.1387_1388delinsTA, p.Pro463Tyr (NM_001322013.2); c.1960_1961delinsTA, p.Pro654Tyr (NM_001322014.2); c.1651_1652delinsTA, p.Pro551Tyr (NM_001322015.2); short protein forms P343Y, P463Y, P467Y, P519Y, P548Y, P551Y, P602Y, P654Y.
Identifiers: ClinVar variation 1003927 (VCV001003927.7), dbSNP rs1782926608, ClinGen allele CA1685225670.
Genomic context (GRCh38, chr7:5,986,804, plus strand): 5'-AAATTAAAACTTTACCTTATCTCTTTTCTTAGTTCATCTTCGGCTGCTTGATTTTCTCCA[GG>TA]ACAAATCTTTGCCCTAAACTTCCTGTAATTCTGTTCCCCTTCACTTTGCTGTGCTTCATG-3'
Protein context (NP_000526.2, residues 644-664): NYRKFRAKIC[Pro654Tyr]GENQAAEDEL